The following is an entry in ClinVar:

NM_003483.6(HMGA2):c.253CAA[1] (p.Gln86del)

Gene: HMGA2 (high mobility group AT-hook 2; plus strand). Cytogenetic location: 12q14.3.
Variant type: Microsatellite.
Coding change: c.253CAA[1] on transcript NM_003483.6 (MANE Select); one copy of the 3-base unit CAA starting at c.253; the reference has two copies in a row; one copy, 3 bases deleted; also written c.256_258del.
Protein change: p.Gln86del; deletes glutamine 86.
Molecular consequence: inframe deletion.
Genome position (GRCh38, 1-based): chr12:65,951,389-65,951,391, CAA deleted; deleting any 3 consecutive bases within chr12:65,951,385-65,951,391 gives the same sequence; the position shown is the placement nearest the transcript's 3' end. VCF-style (leftmost placement, unchanged base first): chr12-65951384-CACA-C. GRCh37 (hg19) VCF-style: chr12-66345164-CACA-C.
Other names: c.253CAA[1], p.Gln86del (NM_001300918.1); c.256_258del (NM_003483.6); short protein forms Q86del.
Identifiers: ClinVar variation 4884038 (VCV004884038.2).

ClinVar aggregate classification (germline): Uncertain significance (1 of 4 stars; one submission).

Submission:

Dasa
Classification: Uncertain significance. Last evaluated: 2024-10-29. Review status: criteria provided, single submitter. Criteria: DASA Assertion Criteria. Collection method: clinical testing. Allele origin: germline.
Comment: NM_003483.6(HMGA2):c.256_258del (p.Gln86del) is an in-frame deletion predicted to remove glutamine at protein position 86 without shifting the reading frame. This variant is rare in population databases. The currently available literature and clinical evidence are not sufficient to establish a definitive association between this variant and the reported condition. Therefore, this variant is classified as a variant of uncertain significance.